The following is an entry in ClinVar:

NC_000009.12:g.35658032_35658041dup

Gene: RMRP (RNA component of mitochondrial RNA processing endoribonuclease; minus strand). Cytogenetic location: 9p13.3.
Variant type: Duplication.
Genome position: GRCh38 VCF-style: chr9-35658031-T-TCACAGAGTAG. GRCh37 (hg19) VCF-style: chr9-35658028-T-TCACAGAGTAG.
Identifiers: ClinVar variation 557391 (VCV000557391.12), dbSNP rs1554651524, ClinGen allele CA658821612.

ClinVar aggregate classification (germline): Likely pathogenic. Review status: reviewed by expert panel (3 of 4 stars). 4 submissions from 4 submitters: Likely pathogenic (1). 3 of the submissions do not count toward it. Last evaluated 2026-10-14.

Conditions:
Metaphyseal chondrodysplasia, McKusick type (CHH). Also called: Cartilage-Hair Hypoplasia (CHH); Cartilage-hair hypoplasia. Identifiers: Orphanet 175, MedGen C0220748, MONDO:0009595, OMIM 250250.
Anauxetic dysplasia. Identifiers: Orphanet 93347, MedGen C1846796, MONDO:0011773.

Allele frequency attached by ClinVar (database versions not stated): gnomAD exomes below 0.00001.

Submissions (4):

ClinGen Severe Combined Immunodeficiency Variant Curation Expert Panel, ClinGen
Classification: Likely pathogenic for Metaphyseal chondrodysplasia, McKusick type. Last evaluated: 2026-10-14. Review status: reviewed by expert panel. Criteria: ClinGen SCID ACMG Specifications RMRP V1.3. Collection method: curation. Allele origin: germline. Inheritance: Autosomal recessive inheritance.
Comment: The n.-21_-9dup variant, also known as -15_-24dupCTACTCTGTG in RMRP gene, that encodes for RNA component of mitochondrial RNA processing endoribonuclease. This variant is located between TATA box (spanning n.-32 to n.-24) and the transcription start site (n.4) [PM1_Strong]. This variant inserts 10 nucleotides (which is >6nt) that increases the distance between the TATA box (spanning n.-32 to n.-24) and the transcription start site (n.4) [PM4_Moderate]. The variant was observed in 1/372072 alleles (AF: 0.000002688) in European (non-Finnish) population gnomAD v4.1.0, which is less than the threshold 0.0000447 (PM2_Supporting). Therefore, the n.-21_-9dup variant in RMRP gene is classified as likely pathogenic. [Evidences: PM1_Strong, PM4, PM2_Supp+PP4]

Women's Health and Genetics/Laboratory Corporation of America, LabCorp
Classification: Pathogenic for Metaphyseal chondrodysplasia, McKusick type. Last evaluated: 2024-09-24. Review status: criteria provided, single submitter. Criteria: LabCorp Variant Classification Summary - May 2015. Collection method: clinical testing. Allele origin: germline. Not counted in ClinVar's aggregate classification.
Comment: Variant summary: RMRP n.-23_-14dup10 is located in the promoter region of the RMRP gene which is located between the TATA box (at position -33 to -25) and the transcription initiation site (at +1). This variant is also known as -15_-24dupCTACTCTGTG. Other insertions or duplications in the promoter region of RMRP have been classified as pathogenic (internally and in ClinVar). The variant was absent in 127922 control chromosomes. n.-23_-14dup10 has been reported in the literature in the compound heterozygous state together with a pathogenic variant in an individual affected with Cartilage-Hair Hypoplasia (e.g.,Hermanns_2006, Hermanns_2005). At least one publication reports experimental evidence evaluating an impact on protein function and found that the variant results in reduced promoter activity compared to the WT RMRP promoter in vitro (Hermanns_2005). Additionally, many other insertions or duplications in the promoter region of RMRP have been reported in affected individuals in the literature (e.g. PMIDs: 21956908, 21396580) and have been demonstrated through functional studies to lead to reduced RMRP transcription (e.g. PMIDs: 11207361, 16254002).The following publications have been ascertained in the context of this evaluation (PMID: 16838329, 16254002). ClinVar contains an entry for this variant (Variation ID: 557391). Based on the evidence outlined above, the variant was classified as pathogenic.

Labcorp Genetics (formerly Invitae), Labcorp
Classification: Pathogenic for Anauxetic dysplasia. Last evaluated: 2024-02-11. Review status: criteria provided, single submitter. Criteria: Invitae Variant Classification Sherloc (09022015). Collection method: clinical testing. Allele origin: germline. Not counted in ClinVar's aggregate classification.
Comment: This variant occurs in the RMRP gene, which encodes an RNA molecule that does not result in a protein product. This variant is not present in population databases (gnomAD no frequency). This variant has been observed in individuals with cartilage hair hypoplasia (PMID: 16254002, 16838329). This variant is also known as -15_-24dupCTACTCTGTG. Studies have shown that this variant alters RMRP gene expression (PMID: 16254002). For these reasons, this variant has been classified as Pathogenic.

Counsyl
Classification: Likely pathogenic for Metaphyseal chondrodysplasia, McKusick type. Last evaluated: 2018-03-23. Review status: no assertion criteria provided. Collection method: clinical testing. Allele origin: unknown. Not counted in ClinVar's aggregate classification.

Literature cited by the submitters: PubMed 16254002 (cited by 3 submitters); PubMed 16838329 (cited by 3 submitters).